The following is an entry in ClinVar:

ClinVar aggregate classification (germline): Benign/Likely benign. Review status: criteria provided, multiple submitters, no conflicts (2 of 4 stars). 3 submissions from 3 submitters: Benign (1); Likely benign (2). Last evaluated 2025-12-26.

Allele frequency attached by ClinVar (database versions not stated): ExAC 0.00138; TOPMed 0.00003; gnomAD 0.00013; 1000 Genomes Project 0.00060; 1000 Genomes Project 30x 0.00062.
gnomAD v4.1: 187 of 1,543,444 alleles (0.012%); highest among the groups gnomAD compares: South Asian, 0.18%; 2 homozygotes.

Submissions (3):

Women's Health and Genetics/Laboratory Corporation of America, LabCorp
Classification: Likely benign. Last evaluated: 2025-12-26. Review status: criteria provided, single submitter. Criteria: LabCorp Variant Classification Summary - May 2015. Collection method: clinical testing. Allele origin: germline.

Labcorp Genetics (formerly Invitae), Labcorp
Classification: Benign. Last evaluated: 2024-08-05. Review status: criteria provided, single submitter. Criteria: Invitae Variant Classification Sherloc (09022015). Collection method: clinical testing. Allele origin: germline.

CeGaT Center for Human Genetics Tuebingen
Classification: Likely benign. Last evaluated: 2023-11-01. Review status: criteria provided, single submitter. Criteria: CeGaT Center For Human Genetics Tuebingen Variant Classification Criteria Version 2. Collection method: clinical testing. Allele origin: germline. Affected: yes. Observed: 1 variant allele.
Comment: HSPG2: BP4, BP7

NM_005529.7(HSPG2):c.13146C>T (p.Ala4382=)

Genes: HSPG2 (heparan sulfate proteoglycan 2; minus strand), LDLRAD2 (low density lipoprotein receptor class A domain containing 2; plus strand). Cytogenetic location: 1p36.12.
Variant type: single nucleotide variant.
Coding change: c.13146C>T on transcript NM_005529.7 (MANE Select); coding-DNA position 13146, C replaced by T.
Protein change: p.Ala4382=; no amino-acid change (alanine 4382 retained).
Molecular consequence: synonymous variant. On other transcripts: 3 prime UTR variant (1).
Genome position (GRCh38, 1-based): chr1:21,823,346, G>A on the plus strand (C>T on the coding strand, the complement: HSPG2 is on the minus strand). VCF-style: chr1-21823346-G-A. GRCh37 (hg19) VCF-style: chr1-22149839-G-A.
Other names: c.13149C>T, p.Ala4383= (NM_001291860.2); c.*1131G>A (NM_001013693.3).
Identifiers: ClinVar variation 2672328 (VCV002672328.27), dbSNP rs572442894, ClinGen allele CA669116.